The following is an entry in ClinVar:

NM_198525.3(KIF7):c.2592+2T>G

Gene: KIF7 (kinesin family member 7; minus strand). Cytogenetic location: 15q26.1.
Variant type: single nucleotide variant.
Coding change: c.2592+2T>G on transcript NM_198525.3 (MANE Select); the canonical splice donor site of the intron after coding-DNA position 2592, T replaced by G.
Molecular consequence: splice donor variant.
Genome position (GRCh38, 1-based): chr15:89,633,684, A>C on the plus strand (T>G on the coding strand, the complement: KIF7 is on the minus strand). VCF-style: chr15-89633684-A-C. GRCh37 (hg19) VCF-style: chr15-90176915-A-C.
Identifiers: ClinVar variation 3721286 (VCV003721286.2).

ClinVar aggregate classification (germline): Likely pathogenic (1 of 4 stars; one submission).

Conditions:
Acrocallosal syndrome (ACLS). Also called: HALLUX DUPLICATION, POSTAXIAL POLYDACTYLY, AND ABSENCE OF CORPUS CALLOSUM; Schinzel syndrome 1; Absence of corpus callosum with unusual facial appearance, mental deficiency, duplication of the halluces and polydactyly. Identifiers: Orphanet 36, MedGen C0796147, MONDO:0008708, OMIM 200990.

Submission:

Labcorp Genetics (formerly Invitae), Labcorp
Classification: Likely pathogenic for Acrocallosal syndrome. Last evaluated: 2024-09-21. Review status: criteria provided, single submitter. Criteria: Invitae Variant Classification Sherloc (09022015). Collection method: clinical testing. Allele origin: germline.
Comment: This sequence change affects a donor splice site in intron 12 of the KIF7 gene. It is expected to disrupt RNA splicing. Variants that disrupt the donor or acceptor splice site typically lead to a loss of protein function (PMID: 16199547), and loss-of-function variants in KIF7 are known to be pathogenic (PMID: 19666503, 21552264, 21633164, 26648833). This variant is not present in population databases (gnomAD no frequency). This variant has not been reported in the literature in individuals affected with KIF7-related conditions. Algorithms developed to predict the effect of sequence changes on RNA splicing suggest that this variant may disrupt the consensus splice site. In summary, the currently available evidence indicates that the variant is pathogenic, but additional data are needed to prove that conclusively. Therefore, this variant has been classified as Likely Pathogenic.

Literature cited by the submitters: PubMed 16199547; PubMed 19666503; PubMed 21552264; PubMed 21633164; PubMed 26648833.